The following is an entry in ClinVar:

ClinVar aggregate classification (germline): Uncertain significance (1 of 4 stars; one submission).

Conditions:
Retinoblastoma (RB1). Also called: RETINOBLASTOMA, SOMATIC. Identifiers: Orphanet 790, MedGen C0035335, MeSH D012175, MONDO:0008380, OMIM 180200, HP:0009919. Disease mechanism: loss of function. Inheritance: Both sporadic and heritable forms are tested..

gnomAD v4.1: 3 of 1,511,352 alleles (0.0002%); highest among the groups gnomAD compares: African/African-American, 0.0043%; no homozygotes.

Submission:

Labcorp Genetics (formerly Invitae), Labcorp
Classification: Uncertain significance for Retinoblastoma. Last evaluated: 2026-01-26. Review status: criteria provided, single submitter. Criteria: Invitae Variant Classification Sherloc (09022015). Collection method: clinical testing. Allele origin: germline.
Comment: This variant occurs in a non-coding region of the RB1 gene. It does not change the encoded amino acid sequence of the RB1 protein. This variant is not present in population databases (gnomAD no frequency). This variant has not been reported in the literature in individuals affected with RB1-related conditions. ClinVar contains an entry for this variant (Variation ID: 3660121). In summary, the available evidence is currently insufficient to determine the role of this variant in disease. Therefore, it has been classified as a Variant of Uncertain Significance.

NM_000321.3(RB1):c.-40C>T

Gene: RB1 (RB transcriptional corepressor 1; plus strand). Cytogenetic location: 13q14.2.
Variant type: single nucleotide variant.
Coding change: c.-40C>T on transcript NM_000321.3 (MANE Select); 40 bases upstream of the start codon, C replaced by T.
Molecular consequence: 5 prime UTR variant.
Genome position (GRCh38, 1-based): chr13:48,303,873, C>T. VCF-style: chr13-48303873-C-T. GRCh37 (hg19) VCF-style: chr13-48878009-C-T.
Other names: c.-40C>T (NM_001407165.1, NM_001407166.1, NM_001407167.1).
Identifiers: ClinVar variation 3660121 (VCV003660121.2).
Genomic context (GRCh38, chr13:48,303,873, plus strand): 5'-ACGGGAGTCGGGAGAGGACGGGGCGTGCCCCGACGTGCGCGCGCGTCGTCCTCCCCGGCG[C>T]TCCTCCACAGCTCGCTGGCTCCCGCCGCGGAAAGGCGTCATGCCGCCCAAAACCCCCCGA-3'